The following is an entry in ClinVar:

NM_001197104.2(KMT2A):c.697A>G (p.Ile233Val)

Gene: KMT2A (lysine methyltransferase 2A; plus strand). Cytogenetic location: 11q23.3.
Variant type: single nucleotide variant.
Coding change: c.697A>G on transcript NM_001197104.2 (MANE Select); coding-DNA position 697, A replaced by G.
Protein change: p.Ile233Val; replaces isoleucine 233 with valine.
Molecular consequence: missense variant.
Genome position (GRCh38, 1-based): chr11:118,471,856, A>G. VCF-style: chr11-118471856-A-G. GRCh37 (hg19) VCF-style: chr11-118342571-A-G.
Other names: c.796A>G, p.Ile266Val (NM_001412597.1); c.697A>G, p.Ile233Val (NM_005933.4); short protein forms I233V, I266V.
Identifiers: ClinVar variation 2873486 (VCV002873486.3), dbSNP rs2496792360, ClinGen allele CA382807473.

ClinVar aggregate classification (germline): Uncertain significance (1 of 4 stars; one submission).

Submission:

Labcorp Genetics (formerly Invitae), Labcorp
Classification: Uncertain significance. Last evaluated: 2024-05-07. Review status: criteria provided, single submitter. Criteria: Invitae Variant Classification Sherloc (09022015). Collection method: clinical testing. Allele origin: germline.
Comment: This sequence change replaces isoleucine, which is neutral and non-polar, with valine, which is neutral and non-polar, at codon 233 of the KMT2A protein (p.Ile233Val). This variant is not present in population databases (gnomAD no frequency). This variant has not been reported in the literature in individuals affected with KMT2A-related conditions. Advanced modeling of protein sequence and biophysical properties (such as structural, functional, and spatial information, amino acid conservation, physicochemical variation, residue mobility, and thermodynamic stability) performed at Invitae indicates that this missense variant is not expected to disrupt KMT2A protein function with a negative predictive value of 95%. In summary, the available evidence is currently insufficient to determine the role of this variant in disease. Therefore, it has been classified as a Variant of Uncertain Significance.